The following is an entry in ClinVar:

NM_003280.3(TNNC1):c.387G>C (p.Thr129=)

Gene: TNNC1 (troponin C1, slow skeletal and cardiac type; minus strand). Cytogenetic location: 3p21.1.
Variant type: single nucleotide variant.
Coding change: c.387G>C on transcript NM_003280.3 (MANE Select); coding-DNA position 387, G replaced by C.
Protein change: p.Thr129=; no amino-acid change (threonine 129 retained).
Molecular consequence: synonymous variant.
Genome position (GRCh38, 1-based): chr3:52,451,458, C>G on the plus strand (G>C on the coding strand, the complement: TNNC1 is on the minus strand). VCF-style: chr3-52451458-C-G. GRCh37 (hg19) VCF-style: chr3-52485474-C-G.
Identifiers: ClinVar variation 44679 (VCV000044679.23), dbSNP rs397516845, ClinGen allele CA134849.

ClinVar aggregate classification (germline): Conflicting classifications of pathogenicity. Review status: criteria provided, conflicting classifications (1 of 4 stars). 6 submissions from 5 submitters: Uncertain significance (2); Benign (1); Likely benign (3). Last evaluated 2026-01-26.

Conditions:
Cardiovascular phenotype. Identifiers: MedGen CN230736.
Dilated cardiomyopathy 1Z (CMD1Z). Identifiers: Orphanet 154, MedGen C2678475, MONDO:0012745, OMIM 611879.
Hypertrophic cardiomyopathy 13. Also called: TNNC1-Related Familial Hypertrophic Cardiomyopathy. Identifiers: MedGen C2750472, MONDO:0013195, OMIM 613243.

Allele frequency attached by ClinVar (database versions not stated): TOPMed 0.00002; 1000 Genomes Project 30x 0.00016; 1000 Genomes Project 0.00020.
gnomAD v4.1: 148 of 1,614,152 alleles (0.0092%); highest among the groups gnomAD compares: South Asian, 0.16%; no homozygotes.

Submissions (6):

Labcorp Genetics (formerly Invitae), Labcorp
Classification: Benign for Hypertrophic cardiomyopathy 13; Dilated cardiomyopathy 1Z. Last evaluated: 2026-01-26. Review status: criteria provided, single submitter. Criteria: Invitae Variant Classification Sherloc (09022015). Collection method: clinical testing. Allele origin: germline.

GeneDx
Classification: Likely benign. Last evaluated: 2020-11-18. Review status: criteria provided, single submitter. Criteria: GeneDx Variant Classification Process June 2021. Collection method: clinical testing. Allele origin: germline. Affected: yes.

Illumina Laboratory Services, Illumina
Classification: Uncertain significance for Dilated cardiomyopathy 1Z. Last evaluated: 2018-01-13. Review status: criteria provided, single submitter. Criteria: ICSL Variant Classification Criteria 13 December 2019. Collection method: clinical testing. Allele origin: germline.

Illumina Laboratory Services, Illumina
Classification: Uncertain significance for Hypertrophic cardiomyopathy 13. Last evaluated: 2018-01-13. Review status: criteria provided, single submitter. Criteria: ICSL Variant Classification Criteria 13 December 2019. Collection method: clinical testing. Allele origin: germline.

Ambry Genetics
Classification: Likely benign for Cardiovascular phenotype. Last evaluated: 2016-10-04. Review status: criteria provided, single submitter. Criteria: Ambry Variant Classification Scheme 2023. Collection method: clinical testing. Allele origin: germline.

Laboratory for Molecular Medicine, Mass General Brigham Personalized Medicine
Classification: Likely benign. Last evaluated: 2012-11-28. Review status: criteria provided, single submitter. Criteria: LMM Criteria. Collection method: clinical testing. Allele origin: germline. Observed: 1 variant allele.
Comment: Thr129Thr in exon 5 of TNNC1: This variant is not expected to have clinical sign ificance because it does not alter an amino acid residue and is not located with in the splice consensus sequence. Thr129Thr in exon 5 of TNNC1 (allele frequenc y = n/a)